The following is an entry in ClinVar:

ClinVar aggregate classification (germline): Uncertain significance (1 of 4 stars; one submission).

Submission:

Dasa
Classification: Uncertain significance. Last evaluated: 2025-08-17. Review status: criteria provided, single submitter. Criteria: DASA Assertion Criteria. Collection method: clinical testing. Allele origin: germline.
Comment: NM_031407.7(HUWE1):c.1612A>T (p.Thr538Ser) is a missense variant that results in the substitution of threonine with serine. This variant is absent from population databases. The currently available literature and clinical evidence are not sufficient to establish a definitive association between this variant and the reported condition. Therefore, this variant is classified as a variant of uncertain significance.

NM_031407.7(HUWE1):c.1612A>T (p.Thr538Ser)

Gene: HUWE1 (HECT, UBA and WWE domain containing E3 ubiquitin protein ligase 1; minus strand). Cytogenetic location: Xp11.22.
Variant type: single nucleotide variant.
Coding change: c.1612A>T on transcript NM_031407.7 (MANE Select); coding-DNA position 1612, A replaced by T.
Protein change: p.Thr538Ser; replaces threonine 538 with serine.
Molecular consequence: missense variant.
Genome position (GRCh38, 1-based): chrX:53,624,655, T>A on the plus strand (A>T on the coding strand, the complement: HUWE1 is on the minus strand). VCF-style: chrX-53624655-T-A. GRCh37 (hg19) VCF-style: chrX-53651616-T-A.
Other names: c.1612A>T, p.Thr538Ser (NM_001441048.1, NM_001441049.1, NM_001441051.1 and 6 more transcripts); c.1633A>T, p.Thr545Ser (NM_001441050.1, NM_001441055.1); short protein forms T538S, T545S.
Identifiers: ClinVar variation 4885530 (VCV004885530.2).